The following is an entry in ClinVar:

NM_003620.4(PPM1D):c.1636dup (p.Leu546fs)

Gene: PPM1D (protein phosphatase, Mg2+/Mn2+ dependent 1D; plus strand). Cytogenetic location: 17q23.2.
Variant type: Duplication.
Coding change: c.1636dup on transcript NM_003620.4 (MANE Select); coding-DNA position 1636, one base duplicated (C; older notation c.1636dupC).
Protein change: p.Leu546fs; shifts the reading frame from leucine 546.
Molecular consequence: frameshift variant.
Genome position (GRCh38, 1-based): chr17:60,663,370, C duplicated; the last of 5 consecutive C bases (chr17:60,663,366-60,663,370); duplicating any one gives the same sequence. VCF-style (leftmost placement, unchanged base first): chr17-60663365-G-GC. GRCh37 (hg19) VCF-style: chr17-58740726-G-GC.
Other names: c.1636dupC (NM_003620.3); short protein forms L546fs.
Identifiers: ClinVar variation 452478 (VCV000452478.2), dbSNP rs1194694298, ClinGen allele CA627146055.

ClinVar aggregate classification (germline): Likely pathogenic (1 of 4 stars; one submission).

Submission:

GeneDx
Classification: Likely pathogenic. Last evaluated: 2017-10-17. Review status: criteria provided, single submitter. Criteria: GeneDx Variant Classification (06012015). Collection method: clinical testing. Allele origin: germline. Affected: yes.
Comment: The c.1636dupC variant in the PPM1D gene has not been reported previously as a pathogenic variant nor as a benign variant, to our knowledge. This variant causes a frameshift starting with codon Leucine 546, changes this amino acid to a Proline residue, and creates a premature Stop codon at position 6 of the new reading frame, denoted p.Leu546ProfsX6. This variant is predicted to cause loss of normal protein function through protein truncation. The c.1636dupC variant is not observed in large population cohorts (Lek et al., 2016). We interpret c.1636dupC as a likely pathogenic variant.